The following is an entry in ClinVar:

ClinVar aggregate classification (germline): Likely benign. Review status: criteria provided, multiple submitters, no conflicts (2 of 4 stars). 4 submissions from 4 submitters: Likely benign (4). Last evaluated 2025-11-18.

Conditions:
Hereditary cancer-predisposing syndrome. Also called: Hereditary Cancer Syndrome; Neoplastic Syndromes, Hereditary; Tumor predisposition; Hereditary neoplastic syndrome. Identifiers: Orphanet 140162, MedGen C0027672, MeSH D009386, MONDO:0015356.
Multiple endocrine neoplasia, type 2 (MEN2). Identifiers: Orphanet 653, MedGen C4048306, MONDO:0019003. Disease mechanism: gain of function.

Allele frequency attached by ClinVar (database versions not stated): gnomAD exomes below 0.00001.
gnomAD v4.1: 1 of 1,614,216 alleles (0.000062%); highest among the groups gnomAD compares: South Asian, 0.0011%; no homozygotes.

Submissions (4):

Labcorp Genetics (formerly Invitae), Labcorp
Classification: Likely benign for Multiple endocrine neoplasia, type 2. Last evaluated: 2025-11-18. Review status: criteria provided, single submitter. Criteria: Invitae Variant Classification Sherloc (09022015). Collection method: clinical testing. Allele origin: germline.

All of Us Research Program, National Institutes of Health
Classification: Likely benign for Multiple endocrine neoplasia, type 2. Last evaluated: 2024-04-16. Review status: criteria provided, single submitter. Criteria: ACMG Guidelines, 2015. Collection method: clinical testing. Allele origin: germline. Inheritance: Autosomal dominant inheritance. Observed: 1 variant allele, 1 heterozygote.
Comment: This study involves interpretation of variants in research participants for the purpose of population health screening. Participant phenotype was not available at the time of variant classification. Additional details can be found in publication PMID: 35346344, PMCID: PMC8962531

Color Diagnostics, LLC DBA Color Health
Classification: Likely benign for Multiple endocrine neoplasia, type 2. Last evaluated: 2022-11-07. Review status: criteria provided, single submitter. Criteria: ACMG Guidelines, 2015. Collection method: clinical testing. Allele origin: germline.

Ambry Genetics
Classification: Likely benign for Hereditary cancer-predisposing syndrome. Last evaluated: 2022-08-12. Review status: criteria provided, single submitter. Criteria: Ambry Variant Classification Scheme 2023. Collection method: clinical testing. Allele origin: germline.

NM_020975.6(RET):c.477C>T (p.Ser159=)

Gene: RET (ret proto-oncogene; plus strand). Cytogenetic location: 10q11.21.
Variant type: single nucleotide variant.
Coding change: c.477C>T on transcript NM_020975.6 (MANE Select); coding-DNA position 477, C replaced by T.
Protein change: p.Ser159=; no amino-acid change (serine 159 retained).
Molecular consequence: synonymous variant. On other transcripts: intron variant (15).
Genome position (GRCh38, 1-based): chr10:43,102,481, C>T. VCF-style: chr10-43102481-C-T. GRCh37 (hg19) VCF-style: chr10-43597929-C-T.
Other names: c.477C>T, p.Ser159= (NM_000323.2, NM_001406743.1, NM_001406744.1 and 16 more transcripts); c.348C>T, p.Ser116= (NM_001406761.1, NM_001406762.1, NM_001406764.1 and 4 more transcripts); c.337+1759C>T (NM_001406770.1, NM_001406766.1, NM_001406767.1 and 8 more transcripts); c.74-6550C>T (NM_001406784.1); c.74-9618C>T (NM_001406794.1, NM_001406792.1, NM_001406793.1).
Identifiers: ClinVar variation 1743032 (VCV001743032.4), dbSNP rs2492159243, ClinGen allele CA469279589.